The following is an entry in ClinVar:

NM_002519.3(NPAT):c.2429T>C (p.Met810Thr)

Gene: NPAT (nuclear protein, coactivator of histone transcription; minus strand). Cytogenetic location: 11q22.3.
Variant type: single nucleotide variant.
Coding change: c.2429T>C on transcript NM_002519.3 (MANE Select); coding-DNA position 2429, T replaced by C.
Protein change: p.Met810Thr; replaces methionine 810 with threonine.
Molecular consequence: missense variant.
Genome position (GRCh38, 1-based): chr11:108,172,555, A>G on the plus strand (T>C on the coding strand, the complement: NPAT is on the minus strand). VCF-style: chr11-108172555-A-G. GRCh37 (hg19) VCF-style: chr11-108043282-A-G.
Other names: c.2429T>C, p.Met810Thr (NM_001321307.1); short protein forms M810T.
Identifiers: ClinVar variation 1791131 (VCV001791131.6), dbSNP rs191443250, ClinGen allele CA228383575.
Genomic context (GRCh38, chr11:108,172,555, plus strand): 5'-TCATTCTGAGTATTGTTTACTGCAGAGTCTTCAGATTTGAATGTTAAAAGACTCTGTTCC[A>G]TTGAGGCTGAATCCCCTACTTCGGCATATACAACAGCACCTACAGTTTCTTCTGAAGATA-3'
Protein context (NP_002510.2, residues 800-820): VYAEVGDSAS[Met810Thr]EQSLLTFKSE

ClinVar aggregate classification (germline): Uncertain significance. Review status: criteria provided, multiple submitters, no conflicts (2 of 4 stars). 2 submissions from 2 submitters: Uncertain significance (2). Last evaluated 2025-06-23.

Allele frequency attached by ClinVar (database versions not stated): gnomAD 0.00008; 1000 Genomes Project 0.00020; gnomAD exomes below 0.00001; 1000 Genomes Project 30x 0.00016; TOPMed 0.00014.
gnomAD v4.1: 20 of 1,614,156 alleles (0.0012%); highest among the groups gnomAD compares: Admixed American, 0.022%; no homozygotes.

Submissions (2):

Labcorp Genetics (formerly Invitae), Labcorp
Classification: Uncertain significance. Last evaluated: 2025-06-23. Review status: criteria provided, single submitter. Criteria: Invitae Variant Classification Sherloc (09022015). Collection method: clinical testing. Allele origin: germline.
Comment: This sequence change replaces methionine, which is neutral and non-polar, with threonine, which is neutral and polar, at codon 810 of the NPAT protein (p.Met810Thr). This variant is present in population databases (rs191443250, gnomAD 0.009%). This variant has not been reported in the literature in individuals affected with NPAT-related conditions. ClinVar contains an entry for this variant (Variation ID: 1791131). An algorithm developed to predict the effect of missense changes on protein structure and function (PolyPhen-2) suggests that this variant is likely to be tolerated. In summary, the available evidence is currently insufficient to determine the role of this variant in disease. Therefore, it has been classified as a Variant of Uncertain Significance.

Ambry Genetics
Classification: Uncertain significance. Last evaluated: 2025-05-28. Review status: criteria provided, single submitter. Criteria: Ambry Variant Classification Scheme 2023. Collection method: clinical testing. Allele origin: germline.